The following is an entry in ClinVar:

NM_032273.4(TMEM126A):c.54C>T (p.Ser18=)

Gene: TMEM126A (transmembrane protein 126A; plus strand). Cytogenetic location: 11q14.1.
Variant type: single nucleotide variant.
Coding change: c.54C>T on transcript NM_032273.4 (MANE Select); coding-DNA position 54, C replaced by T.
Protein change: p.Ser18=; no amino-acid change (serine 18 retained).
Molecular consequence: synonymous variant. On other transcripts: intron variant (1).
Genome position (GRCh38, 1-based): chr11:85,650,309, C>T. VCF-style: chr11-85650309-C-T. GRCh37 (hg19) VCF-style: chr11-85361353-C-T.
Other names: c.-125+2220C>T (NM_001244735.2).
Identifiers: ClinVar variation 382130 (VCV000382130.1), dbSNP rs1057521264, ClinGen allele CA16606351.

ClinVar aggregate classification (germline): Likely benign (1 of 4 stars; one submission).

Allele frequency attached by ClinVar (database versions not stated): gnomAD exomes below 0.00001.
gnomAD v4.1: 1 of 1,608,294 alleles (0.000062%); highest among the groups gnomAD compares: Non-Finnish European, 0.000085%; no homozygotes.

Submission:

GeneDx
Classification: Likely benign. Last evaluated: 2015-12-17. Review status: criteria provided, single submitter. Criteria: GeneDx Variant Classification (06012015). Collection method: clinical testing. Allele origin: germline. Affected: yes.
Comment: This variant is considered likely benign or benign based on one or more of the following criteria: it is a conservative change, it occurs at a poorly conserved position in the protein, it is predicted to be benign by multiple in silico algorithms, and/or has population frequency not consistent with disease.